The following is an entry in ClinVar:

ClinVar aggregate classification (germline): Uncertain significance (1 of 4 stars; one submission).

Conditions:
Hereditary cancer-predisposing syndrome. Also called: Hereditary Cancer Syndrome; Hereditary neoplastic syndrome; Neoplastic Syndromes, Hereditary; Tumor predisposition. Identifiers: Orphanet 140162, MedGen C0027672, MeSH D009386, MONDO:0015356.

Submission:

Ambry Genetics
Classification: Uncertain significance for Hereditary cancer-predisposing syndrome. Last evaluated: 2025-05-18. Review status: criteria provided, single submitter. Criteria: Ambry Variant Classification Scheme 2023. Collection method: clinical testing. Allele origin: germline.
Comment: The p.N179K variant (also known as c.537T>G), located in coding exon 3 of the MSH3 gene, results from a T to G substitution at nucleotide position 537. The asparagine at codon 179 is replaced by lysine, an amino acid with similar properties. This amino acid position is conserved. In addition, this alteration is predicted to be tolerated by in silico analysis. Based on the available evidence, the clinical significance of this variant remains unclear.

NM_002439.5(MSH3):c.537T>G (p.Asn179Lys)

Gene: MSH3 (mutS homolog 3; plus strand). Cytogenetic location: 5q14.1.
Variant type: single nucleotide variant.
Coding change: c.537T>G on transcript NM_002439.5 (MANE Select); coding-DNA position 537, T replaced by G.
Protein change: p.Asn179Lys; replaces asparagine 179 with lysine.
Molecular consequence: missense variant.
Genome position (GRCh38, 1-based): chr5:80,665,321, T>G. VCF-style: chr5-80665321-T-G. GRCh37 (hg19) VCF-style: chr5-79961140-T-G.
Other names: short protein forms N179K.
Identifiers: ClinVar variation 3913645 (VCV003913645.1).